The following is an entry in ClinVar:

ClinVar aggregate classification (germline): Uncertain significance. Review status: criteria provided, multiple submitters, no conflicts (2 of 4 stars). 2 submissions from 2 submitters: Uncertain significance (2). Last evaluated 2025-08-05.

Conditions:
Epilepsy, familial focal, with variable foci 3 (FFEVF3). Identifiers: MedGen C4310708, MONDO:0014925, OMIM 617118.
Inborn genetic diseases. Identifiers: MedGen C0950123, MeSH D030342.

Allele frequency attached by ClinVar (database versions not stated): gnomAD exomes 0.00001 and 0.00002; TOPMed 0.00001; gnomAD 0.00002.
gnomAD v4.1: 15 of 1,611,442 alleles (0.00093%); highest among the groups gnomAD compares: Non-Finnish European, 0.0013%; no homozygotes.

Submissions (2):

Ambry Genetics
Classification: Uncertain significance for Inborn genetic diseases. Last evaluated: 2025-08-05. Review status: criteria provided, single submitter. Criteria: Ambry Variant Classification Scheme 2023. Collection method: clinical testing. Allele origin: germline.

Labcorp Genetics (formerly Invitae), Labcorp
Classification: Uncertain significance for Epilepsy, familial focal, with variable foci 3. Last evaluated: 2024-06-08. Review status: criteria provided, single submitter. Criteria: Invitae Variant Classification Sherloc (09022015). Collection method: clinical testing. Allele origin: germline.
Comment: This sequence change replaces histidine, which is basic and polar, with arginine, which is basic and polar, at codon 143 of the NPRL3 protein (p.His143Arg). This variant is present in population databases (no rsID available, gnomAD 0.003%). This variant has not been reported in the literature in individuals affected with NPRL3-related conditions. ClinVar contains an entry for this variant (Variation ID: 1438632). Advanced modeling of protein sequence and biophysical properties (such as structural, functional, and spatial information, amino acid conservation, physicochemical variation, residue mobility, and thermodynamic stability) performed at Invitae indicates that this missense variant is not expected to disrupt NPRL3 protein function with a negative predictive value of 80%. In summary, the available evidence is currently insufficient to determine the role of this variant in disease. Therefore, it has been classified as a Variant of Uncertain Significance.

NM_001077350.3(NPRL3):c.428A>G (p.His143Arg)

Genes: HBA-LCR (alpha-globin locus control region; plus strand), NPRL3 (NPR3 like, GATOR1 complex subunit; minus strand). Cytogenetic location: 16p13.3.
Variant type: single nucleotide variant.
Coding change: c.428A>G on transcript NM_001077350.3 (MANE Select); coding-DNA position 428, A replaced by G.
Protein change: p.His143Arg; replaces histidine 143 with arginine.
Molecular consequence: missense variant. On other transcripts: 5 prime UTR variant (1).
Genome position (GRCh38, 1-based): chr16:112,741, T>C on the plus strand (A>G on the coding strand, the complement: NPRL3 is on the minus strand). VCF-style: chr16-112741-T-C. GRCh37 (hg19) VCF-style: chr16-162740-T-C.
Other names: c.428A>G (NM_001077350.2); c.-110A>G (NM_001039476.3); c.194A>G, p.His65Arg (NM_001243247.2); c.353A>G, p.His118Arg (NM_001243248.2, NM_001243249.2); short protein forms H118R, H65R, H143R.
Identifiers: ClinVar variation 1438632 (VCV001438632.8), dbSNP rs959374963, ClinGen allele CA276417022.